The following is an entry in ClinVar:

ClinVar aggregate classification (germline): Likely benign. Review status: criteria provided, multiple submitters, no conflicts (2 of 4 stars). 2 submissions from 2 submitters: Likely benign (2). Last evaluated 2025-03-02.

Conditions:
Inborn genetic diseases. Identifiers: MedGen C0950123, MeSH D030342.

gnomAD v4.1: 2 of 1,614,168 alleles (0.00012%); highest among the groups gnomAD compares: Non-Finnish European, 0.00017%; no homozygotes.

Submissions (2):

Ambry Genetics
Classification: Likely benign for Inborn genetic diseases. Last evaluated: 2025-03-02. Review status: criteria provided, single submitter. Criteria: Ambry Variant Classification Scheme 2023. Collection method: clinical testing. Allele origin: germline.

CeGaT Center for Human Genetics Tuebingen
Classification: Likely benign. Last evaluated: 2024-08-01. Review status: criteria provided, single submitter. Criteria: CeGaT Center For Human Genetics Tuebingen Variant Classification Criteria Version 2. Collection method: clinical testing. Allele origin: germline. Affected: yes. Observed: 1 variant allele.
Comment: ASXL1: BP4, BP7

NM_015338.6(ASXL1):c.2997G>C (p.Thr999=)

Gene: ASXL1 (ASXL transcriptional regulator 1; plus strand). Cytogenetic location: 20q11.21.
Variant type: single nucleotide variant.
Coding change: c.2997G>C on transcript NM_015338.6 (MANE Select); coding-DNA position 2997, G replaced by C.
Protein change: p.Thr999=; no amino-acid change (threonine 999 retained).
Molecular consequence: synonymous variant.
Genome position (GRCh38, 1-based): chr20:32,435,709, G>C. VCF-style: chr20-32435709-G-C. GRCh37 (hg19) VCF-style: chr20-31023512-G-C.
Other names: c.2814G>C, p.Thr938= (NM_001363734.1).
Identifiers: ClinVar variation 3341914 (VCV003341914.17).